The following is an entry in ClinVar:

ClinVar aggregate classification (germline): Pathogenic/Likely pathogenic. Review status: criteria provided, multiple submitters, no conflicts (2 of 4 stars). 2 submissions from 2 submitters: Pathogenic (1); Likely pathogenic (1). Last evaluated 2023-06-23.

Conditions:
Marfan syndrome (MFS). Also called: Marfan syndrome, classic; FBN1-Related Marfan Syndrome; Marfan syndrome type 1; Marfan's syndrome; MARFAN SYNDROME, TYPE I. Identifiers: Orphanet 284963, Orphanet 558, MedGen C0024796, MONDO:0007947, OMIM 154700.
Familial thoracic aortic aneurysm and aortic dissection (TAAD). Also called: Thoracic aortic aneurysms and dissections. Identifiers: Orphanet 91387, MedGen C4707243, MONDO:0019625.

Submissions (2):

GeneDx
Classification: Likely pathogenic. Last evaluated: 2023-06-23. Review status: criteria provided, single submitter. Criteria: GeneDx Variant Classification Process June 2021. Collection method: clinical testing. Allele origin: germline. Affected: yes.
Comment: Affects a cysteine residue within a calcium-binding EGF-like domain of the FBN1 gene, which may affect disulfide bonding and is predicted to alter the structure and function of the protein; cysteine substitutions in the calcium-binding EGF-like domains represent the majority of pathogenic missense changes associated with FBN1-related disorders (Schrijver et al., 1999; Collod-Beroud et al., 2003); Not observed at significant frequency in large population cohorts (gnomAD); In silico analysis supports that this missense variant has a deleterious effect on protein structure/function; This variant is associated with the following publications: (PMID: 10486319, 12938084, 26770496)

Labcorp Genetics (formerly Invitae), Labcorp
Classification: Pathogenic for Marfan syndrome; Familial thoracic aortic aneurysm and aortic dissection. Last evaluated: 2019-05-13. Review status: criteria provided, single submitter. Criteria: Invitae Variant Classification Sherloc (09022015). Collection method: clinical testing. Allele origin: germline.
Comment: Algorithms developed to predict the effect of missense changes on protein structure and function are either unavailable or do not agree on the potential impact of this missense change (SIFT: "Deleterious"; PolyPhen-2: "Probably Damaging"; Align-GVGD: "Class C0"). This variant has been observed in individuals with clinical features of Marfan syndrome (PMID: 26770496, Invitae). ClinVar contains an entry for this variant (Variation ID: 200090). This variant is not present in population databases (ExAC no frequency). This sequence change replaces cysteine with tyrosine at codon 2217 of the FBN1 protein (p.Cys2217Tyr). The cysteine residue is highly conserved and there is a large physicochemical difference between cysteine and tyrosine. For these reasons, this variant has been classified as Pathogenic. This variant affects a cysteine residue in the EGF-like, TGFBP or hybrid motif domains of FBN1. Cysteine residues are believed to be involved in intramolecular disulfide bridges and have been shown to be important for FBN1 protein structure (PMID: 16905551, 19349279). In addition, missense substitutions affecting cysteine residues within these domains are significantly overrepresented among patients with Marfan syndrome (PMID: 16571647, 17701892).

Literature cited by the submitters: PubMed 26770496 (cited by Labcorp Genetics (formerly Invitae), Labcorp); PubMed 16905551 (cited by Labcorp Genetics (formerly Invitae), Labcorp); PubMed 19349279 (cited by Labcorp Genetics (formerly Invitae), Labcorp); PubMed 16571647 (cited by Labcorp Genetics (formerly Invitae), Labcorp); PubMed 17701892 (cited by Labcorp Genetics (formerly Invitae), Labcorp).

NM_000138.5(FBN1):c.6650G>A (p.Cys2217Tyr)

Gene: FBN1 (fibrillin 1; minus strand). Cytogenetic location: 15q21.1.
Variant type: single nucleotide variant.
Coding change: c.6650G>A on transcript NM_000138.5 (MANE Select); coding-DNA position 6650, G replaced by A.
Protein change: p.Cys2217Tyr; replaces cysteine 2217 with tyrosine.
Molecular consequence: missense variant.
Genome position (GRCh38, 1-based): chr15:48,432,955, C>T on the plus strand (G>A on the coding strand, the complement: FBN1 is on the minus strand). VCF-style: chr15-48432955-C-T. GRCh37 (hg19) VCF-style: chr15-48725152-C-T.
Other names: p.C2217Y:TGT>TAT; short protein forms C2217Y.
Identifiers: ClinVar variation 200090 (VCV000200090.12), dbSNP rs794728254, ClinGen allele CA016598.